The following is an entry in ClinVar:

NM_004484.4(GPC3):c.1538T>A (p.Met513Lys)

Gene: GPC3 (glypican 3; minus strand). Cytogenetic location: Xq26.2.
Variant type: single nucleotide variant.
Coding change: c.1538T>A on transcript NM_004484.4 (MANE Select); coding-DNA position 1538, T replaced by A.
Protein change: p.Met513Lys; replaces methionine 513 with lysine.
Molecular consequence: missense variant.
Genome position (GRCh38, 1-based): chrX:133,596,475, A>T on the plus strand (T>A on the coding strand, the complement: GPC3 is on the minus strand). VCF-style: chrX-133596475-A-T. GRCh37 (hg19) VCF-style: chrX-132730503-A-T.
Other names: c.1607T>A, p.Met536Lys (NM_001164617.2); c.1490T>A, p.Met497Lys (NM_001164618.2); c.1376T>A, p.Met459Lys (NM_001164619.2); short protein forms M497K, M513K, M536K, M459K.
Identifiers: ClinVar variation 952764 (VCV000952764.10), dbSNP rs2069916333, ClinGen allele CA414700866.

ClinVar aggregate classification (germline): Uncertain significance (1 of 4 stars; one submission).

Conditions:
Wilms tumor 1 (WT1). Also called: Wilms tumor, somatic. Identifiers: Orphanet 654, MedGen CN033288, MONDO:0008679, OMIM 194070.

Allele frequency attached by ClinVar (database versions not stated): gnomAD exomes below 0.00001.
gnomAD v4.1: 2 of 1,209,997 alleles (0.00017%); highest among the groups gnomAD compares: Non-Finnish European, 0.00022%; no homozygotes.

Submission:

Labcorp Genetics (formerly Invitae), Labcorp
Classification: Uncertain significance for Wilms tumor 1. Last evaluated: 2023-07-10. Review status: criteria provided, single submitter. Criteria: Invitae Variant Classification Sherloc (09022015). Collection method: clinical testing. Allele origin: germline.
Comment: In summary, the available evidence is currently insufficient to determine the role of this variant in disease. Therefore, it has been classified as a Variant of Uncertain Significance. An algorithm developed to predict the effect of missense changes on protein structure and function (PolyPhen-2) suggests that this variant is likely to be tolerated. ClinVar contains an entry for this variant (Variation ID: 952764). This variant has not been reported in the literature in individuals affected with GPC3-related conditions. This variant is not present in population databases (gnomAD no frequency). This sequence change replaces methionine, which is neutral and non-polar, with lysine, which is basic and polar, at codon 513 of the GPC3 protein (p.Met513Lys).